The following is an entry in ClinVar:

NM_005045.4(RELN):c.2540C>T (p.Ser847Phe)

Gene: RELN (reelin; minus strand). Cytogenetic location: 7q22.1.
Variant type: single nucleotide variant.
Coding change: c.2540C>T on transcript NM_005045.4 (MANE Select); coding-DNA position 2540, C replaced by T.
Protein change: p.Ser847Phe; replaces serine 847 with phenylalanine.
Molecular consequence: missense variant.
Genome position (GRCh38, 1-based): chr7:103,630,102, G>A on the plus strand (C>T on the coding strand, the complement: RELN is on the minus strand). VCF-style: chr7-103630102-G-A. GRCh37 (hg19) VCF-style: chr7-103270549-G-A.
Other names: c.2540C>T, p.Ser847Phe (NM_173054.3); short protein forms S847F.
Identifiers: ClinVar variation 4787603 (VCV004787603.1).

ClinVar aggregate classification (germline): Uncertain significance (1 of 4 stars; one submission).

Conditions:
Norman-Roberts syndrome (LIS2). Also called: Lissencephaly 2 (Norman-Roberts type). Identifiers: Orphanet 89844, MedGen C0796089, MONDO:0009760, OMIM 257320.
Familial temporal lobe epilepsy 7. Identifiers: Orphanet 101046, MedGen C4225327, MONDO:0014639, OMIM 616436.

gnomAD v4.1: 2 of 1,613,488 alleles (0.00012%); highest among the groups gnomAD compares: Non-Finnish European, 0.00017%; no homozygotes.

Submission:

Labcorp Genetics (formerly Invitae), Labcorp
Classification: Uncertain significance for Familial temporal lobe epilepsy 7; Norman-Roberts syndrome. Last evaluated: 2025-09-20. Review status: criteria provided, single submitter. Criteria: Invitae Variant Classification Sherloc (09022015). Collection method: clinical testing. Allele origin: germline.
Comment: This sequence change replaces serine, which is neutral and polar, with phenylalanine, which is neutral and non-polar, at codon 847 of the RELN protein (p.Ser847Phe). This variant is present in population databases (no rsID available, gnomAD 0.007%). This variant has not been reported in the literature in individuals affected with RELN-related conditions. Invitae Evidence Modeling of protein sequence and biophysical properties (such as structural, functional, and spatial information, amino acid conservation, physicochemical variation, residue mobility, and thermodynamic stability) indicates that this missense variant is not expected to disrupt RELN protein function with a negative predictive value of 80%. In summary, the available evidence is currently insufficient to determine the role of this variant in disease. Therefore, it has been classified as a Variant of Uncertain Significance.